The following is an entry in ClinVar:

NM_004655.4(AXIN2):c.504C>T (p.Ser168=)

Gene: AXIN2 (axin 2; minus strand). Cytogenetic location: 17q24.1.
Variant type: single nucleotide variant.
Coding change: c.504C>T on transcript NM_004655.4 (MANE Select); coding-DNA position 504, C replaced by T.
Protein change: p.Ser168=; no amino-acid change (serine 168 retained).
Molecular consequence: synonymous variant.
Genome position (GRCh38, 1-based): chr17:65,558,117, G>A on the plus strand (C>T on the coding strand, the complement: AXIN2 is on the minus strand). VCF-style: chr17-65558117-G-A. GRCh37 (hg19) VCF-style: chr17-63554235-G-A.
Other names: c.504C>T, p.Ser168= (NM_001363813.1).
Identifiers: ClinVar variation 764788 (VCV000764788.16), dbSNP rs956000656, ClinGen allele CA293107183.
Genomic context (GRCh38, chr17:65,558,117, plus strand): 5'-CTGGTAGGCATTTTCCTCCATCACCGACTGGATCTCGGTCTGCGCCTGGTCAAACATGAT[G>A]GAATCAATCTGCTGCTTCTTGATGCCATCTCTTATGTAGGTCTTGGTGGCAGGCTTCAGC-3'
Protein context (NP_004646.3, residues 158-178): RDGIKKQQID[Ser168=]IMFDQAQTEI

ClinVar aggregate classification (germline): Benign/Likely benign. Review status: criteria provided, multiple submitters, no conflicts (2 of 4 stars). 4 submissions from 4 submitters: Benign (1); Likely benign (3). Last evaluated 2026-04-01.

Conditions:
Oligodontia-cancer predisposition syndrome. Also called: TOOTH AGENESIS-COLORECTAL CANCER SYNDROME. Identifiers: Orphanet 300576, MedGen C1837750, MONDO:0012075, OMIM 608615. Disease mechanism: loss of function.
Hereditary cancer-predisposing syndrome. Also called: Hereditary Cancer Syndrome; Tumor predisposition; Hereditary neoplastic syndrome; Neoplastic Syndromes, Hereditary. Identifiers: Orphanet 140162, MedGen C0027672, MeSH D009386, MONDO:0015356.

Submissions (4):

CeGaT Center for Human Genetics Tuebingen
Classification: Likely benign. Last evaluated: 2026-04-01. Review status: criteria provided, single submitter. Criteria: CeGaT Center For Human Genetics Tuebingen Variant Classification Criteria Version 2. Collection method: clinical testing. Allele origin: germline. Affected: yes. Observed: 1 variant allele.
Comment: AXIN2: PM2:Supporting, BP4, BP7

Myriad Genetics, Inc.
Classification: Benign for Oligodontia-cancer predisposition syndrome. Last evaluated: 2024-06-26. Review status: criteria provided, single submitter. Criteria: Myriad Autosomal Dominant, Autosomal Recessive and X-Linked Classification Criteria (2023). Collection method: clinical testing. Allele origin: unknown.
Comment: This variant is considered benign. This variant is a silent/synonymous amino acid change and it is not expected to impact splicing.

Labcorp Genetics (formerly Invitae), Labcorp
Classification: Likely benign for Oligodontia-cancer predisposition syndrome. Last evaluated: 2024-03-27. Review status: criteria provided, single submitter. Criteria: Invitae Variant Classification Sherloc (09022015). Collection method: clinical testing. Allele origin: germline.

Ambry Genetics
Classification: Likely benign for Hereditary cancer-predisposing syndrome. Last evaluated: 2021-01-21. Review status: criteria provided, single submitter. Criteria: Ambry Variant Classification Scheme 2023. Collection method: clinical testing. Allele origin: germline.